The following is an entry in ClinVar:

ClinVar aggregate classification (germline): Conflicting classifications of pathogenicity. Review status: criteria provided, conflicting classifications (1 of 4 stars). 2 submissions from 2 submitters: Uncertain significance (1); Likely benign (1). Last evaluated 2026-05-16.

Conditions:
ENG-related disorder. Also called: ENG-related condition; ENG-related disorders.
Hereditary hemorrhagic telangiectasia (HHT). Also called: ORW DISEASE; Osler Weber Rendu syndrome; OSLER-RENDU-WEBER DISEASE; Osler hemorrhagic telangiectasia syndrome. Identifiers: Orphanet 774, MedGen C0039445, MONDO:0019180. Disease mechanism: loss of function.

Allele frequency attached by ClinVar (database versions not stated): ExAC 0.00001; TOPMed 0.00001.
gnomAD v4.1: 1 of 1,614,186 alleles (0.000062%); no homozygotes.

Submissions (2):

PreventionGenetics, part of Exact Sciences
Classification: Uncertain significance for ENG-related condition. Last evaluated: 2026-05-16. Review status: criteria provided, single submitter. Criteria: ACMG Guidelines, 2015. Collection method: clinical testing. Allele origin: germline.
Comment: The ENG c.79A>G variant is predicted to result in the amino acid substitution p.Thr27Ala. To our knowledge, this variant has not been reported in the literature. This variant is reported in 0.0054% of alleles in individuals of East Asian descent in gnomAD. At this time, the clinical significance of this variant is uncertain due to the absence of conclusive functional and genetic evidence.

Labcorp Genetics (formerly Invitae), Labcorp
Classification: Likely benign for Hereditary hemorrhagic telangiectasia. Last evaluated: 2023-03-17. Review status: criteria provided, single submitter. Criteria: Invitae Variant Classification Sherloc (09022015). Collection method: clinical testing. Allele origin: germline.

NM_001114753.3(ENG):c.79A>G (p.Thr27Ala)

Gene: ENG (endoglin; minus strand). Cytogenetic location: 9q34.11.
Variant type: single nucleotide variant.
Coding change: c.79A>G on transcript NM_001114753.3 (MANE Select); coding-DNA position 79, A replaced by G.
Protein change: p.Thr27Ala; replaces threonine 27 with alanine.
Molecular consequence: missense variant. On other transcripts: 5 prime UTR variant (1).
Genome position (GRCh38, 1-based): chr9:127,843,234, T>C on the plus strand (A>G on the coding strand, the complement: ENG is on the minus strand). VCF-style: chr9-127843234-T-C. GRCh37 (hg19) VCF-style: chr9-130605513-T-C.
Other names: c.79A>G, p.Thr27Ala (NM_000118.4, NM_001406715.1); c.-468A>G (NM_001278138.2); short protein forms T27A.
Identifiers: ClinVar variation 2720631 (VCV002720631.4), dbSNP rs778695294, ClinGen allele CA5253233.